The following is an entry in ClinVar:

ClinVar aggregate classification (germline): Uncertain significance (1 of 4 stars; one submission).

gnomAD v4.1: 2 of 1,208,888 alleles (0.00017%); highest among the groups gnomAD compares: African/African-American, 0.0035%; no homozygotes.

Submission:

GeneDx
Classification: Uncertain significance. Last evaluated: 2022-04-29. Review status: criteria provided, single submitter. Criteria: GeneDx Variant Classification Process June 2021. Collection method: clinical testing. Allele origin: germline. Affected: yes.
Comment: Not observed at significant frequency in large population cohorts (gnomAD); In silico analysis supports that this missense variant does not alter protein structure/function; Has not been previously published as pathogenic or benign to our knowledge

NM_001379451.1(BCORL1):c.1889G>C (p.Arg630Pro)

Gene: BCORL1 (BCL6 corepressor like 1; plus strand). Cytogenetic location: Xq26.1.
Variant type: single nucleotide variant.
Coding change: c.1889G>C on transcript NM_001379451.1 (MANE Select); coding-DNA position 1889, G replaced by C.
Protein change: p.Arg630Pro; replaces arginine 630 with proline.
Molecular consequence: missense variant.
Genome position (GRCh38, 1-based): chrX:130,014,661, G>C. VCF-style: chrX-130014661-G-C. GRCh37 (hg19) VCF-style: chrX-129148637-G-C.
Other names: c.1889G>C, p.Arg630Pro (NM_001184772.3, NM_001379450.1, NM_021946.5); short protein forms R630P.
Identifiers: ClinVar variation 1712578 (VCV001712578.2), dbSNP rs143864671, ClinGen allele CA414586911.